The following is an entry in ClinVar:

NM_030665.4(RAI1):c.1272G>T (p.Glu424Asp)

Gene: RAI1 (retinoic acid induced 1; plus strand). Cytogenetic location: 17p11.2.
Variant type: single nucleotide variant.
Coding change: c.1272G>T on transcript NM_030665.4 (MANE Select); coding-DNA position 1272, G replaced by T.
Protein change: p.Glu424Asp; replaces glutamic acid 424 with aspartic acid.
Molecular consequence: missense variant.
Genome position (GRCh38, 1-based): chr17:17,794,220, G>T. VCF-style: chr17-17794220-G-T. GRCh37 (hg19) VCF-style: chr17-17697534-G-T.
Other names: short protein forms E424D.
Identifiers: ClinVar variation 2725599 (VCV002725599.3), dbSNP rs2508574775, ClinGen allele CA398547315.

ClinVar aggregate classification (germline): Uncertain significance (1 of 4 stars; one submission).

Submission:

Labcorp Genetics (formerly Invitae), Labcorp
Classification: Uncertain significance. Last evaluated: 2023-11-21. Review status: criteria provided, single submitter. Criteria: Invitae Variant Classification Sherloc (09022015). Collection method: clinical testing. Allele origin: germline.
Comment: This sequence change replaces glutamic acid, which is acidic and polar, with aspartic acid, which is acidic and polar, at codon 424 of the RAI1 protein (p.Glu424Asp). This variant is not present in population databases (gnomAD no frequency). This variant has not been reported in the literature in individuals affected with RAI1-related conditions. Advanced modeling of protein sequence and biophysical properties (such as structural, functional, and spatial information, amino acid conservation, physicochemical variation, residue mobility, and thermodynamic stability) performed at Invitae indicates that this missense variant is not expected to disrupt RAI1 protein function with a negative predictive value of 80%. In summary, the available evidence is currently insufficient to determine the role of this variant in disease. Therefore, it has been classified as a Variant of Uncertain Significance.